The following is an entry in ClinVar:

NM_017780.4(CHD7):c.2881del (p.Glu961fs)

Gene: CHD7 (chromodomain helicase DNA binding protein 7; plus strand). Cytogenetic location: 8q12.2.
Variant type: Deletion.
Coding change: c.2881del on transcript NM_017780.4 (MANE Select); coding-DNA position 2881, one base deleted (G; older notation c.2881delG).
Protein change: p.Glu961fs; shifts the reading frame from glutamic acid 961.
Molecular consequence: frameshift variant. On other transcripts: intron variant (1).
Genome position (GRCh38, 1-based): chr8:60,822,069, G deleted; the last of 3 consecutive G bases (chr8:60,822,067-60,822,069); deleting any one gives the same sequence. VCF-style (leftmost placement, unchanged base first): chr8-60822066-AG-A. GRCh37 (hg19) VCF-style: chr8-61734625-AG-A.
Other names: c.1717-40160del (NM_001316690.1); short protein forms E961fs.
Identifiers: ClinVar variation 1301896 (VCV001301896.1), dbSNP rs2150749363, ClinGen allele CA2573053039.
Genomic context (GRCh38, chr8:60,822,066, plus strand): 5'-TTACTATATTTGAAACAGGAGCGACCTCCTGCTGATGATTGGAAGAAATCGGAGAGTTCC[AG>A]GGAGTATAAAAACAATAACAAACTCAGGGAATACCAGTTGGAGGGAGTAAACTGGCTACT-3'

ClinVar aggregate classification (germline): Pathogenic (1 of 4 stars; one submission).

Conditions:
CHARGE syndrome (CHARGE). Also called: Hittner Hirsch Kreh syndrome; CHARGE ASSOCIATION--COLOBOMA, HEART ANOMALY, CHOANAL ATRESIA, RETARDATION, GENITAL AND EAR ANOMALIES; Coloboma, heart anomaly, choanal atresia, retardation, genital and ear anomalies; CHARGE association; Hall-Hittner syndrome. Identifiers: Orphanet 138, MedGen C0265354, MONDO:0008965.

Submission:

Rady Children's Institute for Genomic Medicine, Rady Children's Hospital San Diego
Classification: Pathogenic for CHARGE SYNDROME. Last evaluated: 2020-06-02. Review status: criteria provided, single submitter. Criteria: ACMG Guidelines, 2015. Collection method: clinical testing. Allele origin: germline. Affected: yes.
Comment: This frameshifting variant in exon 11 of 38 introduces a premature stop codon and is therefore predicted to result in loss of normal protein function through either protein truncation or nonsense-mediated mRNA decay (NMD). This variant has not been previously reported or functionally characterized in the literature to our knowledge. However, many pathogenic CHD7 variants downstream of the c.2881del (p.Glu961SerfsTer16) variant have been reported. It is absent from the gnomAD population database and thus is presumed to be rare. Analysis of the parental samples was negative for the variant, indicating this variant likely occurred as a de novo event. Based on the available evidence, the c.2881del (p.Glu961SerfsTer16) variant is classified as Pathogenic.